The following is an entry in ClinVar:

ClinVar aggregate classification (germline): Uncertain significance (1 of 4 stars; one submission).

Conditions:
Inclusion body myopathy with Paget disease of bone and frontotemporal dementia type 1. Also called: Inclusion body myopathy with early-onset Paget disease and frontotemporal dementia 1; Inclusion body myopathy with early-onset Paget disease with or without frontotemporal dementia 1; MULTISYSTEM PROTEINOPATHY 1. Identifiers: MedGen C4551951, MONDO:0008178, OMIM 167320.
Charcot-Marie-Tooth disease type 2Y. Also called: CHARCOT-MARIE-TOOTH DISEASE, AXONAL, AUTOSOMAL DOMINANT, TYPE 2Y; CHARCOT-MARIE-TOOTH NEUROPATHY, TYPE 2Y; Charcot-Marie-Tooth disease, axonal, type 2y. Identifiers: Orphanet 435387, MedGen C5569026, MONDO:0014735, OMIM 616687.
Frontotemporal dementia and/or amyotrophic lateral sclerosis 6 (FTDALS6). Also called: VCP-Related Amyotrophic Lateral Sclerosis/Frontotemporal Dementia; VCP-Related Amyotrophic Lateral Sclerosis. Identifiers: Orphanet 275872, Orphanet 803, MedGen C5436279, MONDO:0013501, OMIM 613954.

Submission:

Juno Genomics, Hangzhou Juno Genomics, Inc
Classification: Uncertain significance for Charcot-Marie-Tooth disease type 2Y; Frontotemporal dementia and/or amyotrophic lateral sclerosis 6; Inclusion body myopathy with Paget disease of bone and frontotemporal dementia type 1. Review status: criteria provided, single submitter. Criteria: ACMG Guidelines, 2015. Collection method: clinical testing. Allele origin: germline.
Comment: Absent from controls (or at extremely low frequency if recessive) in Genome Aggregation Database.;Missense variant in a gene that has a low rate of benign missense variation.;Multiple lines of computational evidence support a deleterious effect on the gene or gene product.

NM_007126.5(VCP):c.1384T>C (p.Ser462Pro)

Gene: VCP (valosin containing protein; minus strand). Cytogenetic location: 9p13.3.
Variant type: single nucleotide variant.
Coding change: c.1384T>C on transcript NM_007126.5 (MANE Select); coding-DNA position 1384, T replaced by C.
Protein change: p.Ser462Pro; replaces serine 462 with proline.
Molecular consequence: missense variant.
Genome position (GRCh38, 1-based): chr9:35,060,899, A>G on the plus strand (T>C on the coding strand, the complement: VCP is on the minus strand). VCF-style: chr9-35060899-A-G. GRCh37 (hg19) VCF-style: chr9-35060896-A-G.
Other names: c.1249T>C, p.Ser417Pro (NM_001354927.2, NM_001354928.2); short protein forms S417P, S462P.
Identifiers: ClinVar variation 5019398 (VCV005019398.2).